The following is an entry in ClinVar:

NM_020320.5(RARS2):c.953G>A (p.Gly318Glu)

Gene: RARS2 (arginyl-tRNA synthetase 2, mitochondrial; minus strand). Cytogenetic location: 6q15.
Variant type: single nucleotide variant.
Coding change: c.953G>A on transcript NM_020320.5 (MANE Select); coding-DNA position 953, G replaced by A.
Protein change: p.Gly318Glu; replaces glycine 318 with glutamic acid.
Molecular consequence: missense variant. On other transcripts: non-coding transcript variant (23).
Genome position (GRCh38, 1-based): chr6:87,524,578, C>T on the plus strand (G>A on the coding strand, the complement: RARS2 is on the minus strand). VCF-style: chr6-87524578-C-T. GRCh37 (hg19) VCF-style: chr6-88234296-C-T.
Other names: p.G318E:GGG>GAG; c.428G>A, p.Gly143Glu (NM_001318785.2, NM_001350506.2, NM_001350507.2 and 4 more transcripts); c.953G>A, p.Gly318Glu (NM_001350505.2); short protein forms G318E, G143E.
Identifiers: ClinVar variation 215062 (VCV000215062.4), dbSNP rs765044856, ClinGen allele CA321622.

ClinVar aggregate classification (germline): Uncertain significance. Review status: criteria provided, multiple submitters, no conflicts (2 of 4 stars). 2 submissions from 2 submitters: Uncertain significance (2). Last evaluated 2026-01-17.

Allele frequency attached by ClinVar (database versions not stated): gnomAD exomes 0.00001 and 0.00002; ExAC 0.00002.
gnomAD v4.1: 13 of 1,612,182 alleles (0.00081%); highest among the groups gnomAD compares: South Asian, 0.013%; 1 homozygote.

Submissions (2):

GeneDx
Classification: Uncertain significance. Last evaluated: 2026-01-17. Review status: criteria provided, single submitter. Criteria: GeneDx Variant Classification Process June 2021. Collection method: clinical testing. Allele origin: germline. Affected: yes.
Comment: In silico analysis supports that this missense variant has a deleterious effect on protein structure/function; Has not been previously published as pathogenic or benign to our knowledge

Women's Health and Genetics/Laboratory Corporation of America, LabCorp
Classification: Uncertain significance. Last evaluated: 2025-11-03. Review status: criteria provided, single submitter. Criteria: LabCorp Variant Classification Summary - May 2015. Collection method: clinical testing. Allele origin: germline.
Comment: Variant summary: RARS2 c.953G>A (p.Gly318Glu) results in a non-conservative amino acid change in the encoded protein sequence. Algorithms developed to predict the effect of missense changes on protein structure and function all suggest that this variant is likely to be disruptive. The variant allele was found at a frequency of 2.4e-05 in 251212 control chromosomes in the gnomAD database, including 1 homozygotes. The available data on variant occurrences in the general population are insufficient to allow any conclusion about variant significance. To our knowledge, no occurrence of c.953G>A in individuals affected with RARS2-related conditions and no experimental evidence demonstrating its impact on protein function have been reported. ClinVar contains an entry for this variant (Variation ID: 215062). Based on the evidence outlined above, the variant was classified as uncertain significance.